The following is an entry in ClinVar:

ClinVar aggregate classification (germline): Uncertain significance (1 of 4 stars; one submission).

Submission:

GeneDx
Classification: Uncertain significance. Last evaluated: 2024-12-06. Review status: criteria provided, single submitter. Criteria: GeneDx Variant Classification Process June 2021. Collection method: clinical testing. Allele origin: germline. Affected: yes.
Comment: Not observed at significant frequency in large population cohorts (gnomAD); In silico analysis indicates that this missense variant does not alter protein structure/function; Has not been previously published as pathogenic or benign to our knowledge

NM_138615.3(DHX30):c.3079C>T (p.Leu1027Phe)

Gene: DHX30 (DExH-box helicase 30; plus strand). Cytogenetic location: 3p21.31.
Variant type: single nucleotide variant.
Coding change: c.3079C>T on transcript NM_138615.3 (MANE Select); coding-DNA position 3079, C replaced by T.
Protein change: p.Leu1027Phe; replaces leucine 1027 with phenylalanine.
Molecular consequence: missense variant.
Genome position (GRCh38, 1-based): chr3:47,849,341, C>T. VCF-style: chr3-47849341-C-T. GRCh37 (hg19) VCF-style: chr3-47890831-C-T.
Other names: c.2995C>T, p.Leu999Phe (NM_001330990.2); c.2962C>T, p.Leu988Phe (NM_014966.4); short protein forms L1027F, L988F, L999F.
Identifiers: ClinVar variation 3901569 (VCV003901569.1).
Genomic context (GRCh38, chr3:47,849,341, plus strand): 5'-GAGTACAGTGAGGAGGAGGAGCTGGTGAAGGGCGTGCTGATGGCCGGCCTCTACCCCAAC[C>T]TCATCCAGGTGCTGCCTCTGGGAGGGAATGGAGTTCACCAGGTCCCAGCCTCCTTCCCTG-3'
Protein context (NP_619520.1, residues 1017-1037): GVLMAGLYPN[Leu1027Phe]IQVRQGKVTR